The following is an entry in ClinVar:

NM_001271938.2(MEGF8):c.700G>A (p.Ala234Thr)

Gene: MEGF8 (multiple EGF like domains 8; plus strand). Cytogenetic location: 19q13.2.
Variant type: single nucleotide variant.
Coding change: c.700G>A on transcript NM_001271938.2 (MANE Select); coding-DNA position 700, G replaced by A.
Protein change: p.Ala234Thr; replaces alanine 234 with threonine.
Molecular consequence: missense variant.
Genome position (GRCh38, 1-based): chr19:42,335,176, G>A. VCF-style: chr19-42335176-G-A. GRCh37 (hg19) VCF-style: chr19-42839328-G-A.
Other names: c.700G>A (NM_001410.2); c.700G>A, p.Ala234Thr (NM_001410.3); short protein forms A234T.
Identifiers: ClinVar variation 2069956 (VCV002069956.8), dbSNP rs201282412, ClinGen allele CA9474240.

ClinVar aggregate classification (germline): Uncertain significance. Review status: criteria provided, multiple submitters, no conflicts (2 of 4 stars). 3 submissions from 3 submitters: Uncertain significance (3). Last evaluated 2025-06-18.

Conditions:
Inborn genetic diseases. Identifiers: MedGen C0950123, MeSH D030342.
MEGF8-related Carpenter syndrome. Also called: Carpenter syndrome 2. Identifiers: Orphanet 65759, MedGen C3554247, MONDO:0013998, OMIM 614976.

Allele frequency attached by ClinVar (database versions not stated): ESP Exome Variant Server 0.00008; 1000 Genomes Project 30x 0.00016; 1000 Genomes Project 0.00020.
gnomAD v4.1: 66 of 1,613,956 alleles (0.0041%); highest among the groups gnomAD compares: African/African-American, 0.02%; no homozygotes.

Submissions (3):

Ambry Genetics
Classification: Uncertain significance for Inborn genetic diseases. Last evaluated: 2025-06-18. Review status: criteria provided, single submitter. Criteria: Ambry Variant Classification Scheme 2023. Collection method: clinical testing. Allele origin: germline.

GeneDx
Classification: Uncertain significance. Last evaluated: 2024-12-03. Review status: criteria provided, single submitter. Criteria: GeneDx Variant Classification Process June 2021. Collection method: clinical testing. Allele origin: germline. Affected: yes.
Comment: In silico analysis indicates that this missense variant does not alter protein structure/function; Has not been previously published as pathogenic or benign to our knowledge

Labcorp Genetics (formerly Invitae), Labcorp
Classification: Uncertain significance for MEGF8-related Carpenter syndrome. Last evaluated: 2022-04-13. Review status: criteria provided, single submitter. Criteria: Invitae Variant Classification Sherloc (09022015). Collection method: clinical testing. Allele origin: germline.
Comment: In summary, the available evidence is currently insufficient to determine the role of this variant in disease. Therefore, it has been classified as a Variant of Uncertain Significance. This sequence change replaces alanine, which is neutral and non-polar, with threonine, which is neutral and polar, at codon 234 of the MEGF8 protein (p.Ala234Thr). This variant is present in population databases (rs201282412, gnomAD 0.02%). This variant has not been reported in the literature in individuals affected with MEGF8-related conditions. Algorithms developed to predict the effect of missense changes on protein structure and function are either unavailable or do not agree on the potential impact of this missense change (SIFT: "Tolerated"; PolyPhen-2: "Possibly Damaging"; Align-GVGD: "Class C0").